The following is an entry in ClinVar:

ClinVar aggregate classification (germline): Uncertain significance (1 of 4 stars; one submission).

Submission:

Labcorp Genetics (formerly Invitae), Labcorp
Classification: Uncertain significance. Last evaluated: 2025-01-05. Review status: criteria provided, single submitter. Criteria: Invitae Variant Classification Sherloc (09022015). Collection method: clinical testing. Allele origin: germline.
Comment: This sequence change replaces cysteine, which is neutral and slightly polar, with arginine, which is basic and polar, at codon 11 of the FGF23 protein (p.Cys11Arg). This variant is not present in population databases (gnomAD no frequency). This variant has not been reported in the literature in individuals affected with FGF23-related conditions. Invitae Evidence Modeling of protein sequence and biophysical properties (such as structural, functional, and spatial information, amino acid conservation, physicochemical variation, residue mobility, and thermodynamic stability) has been performed for this missense variant. However, the output from this modeling did not meet the statistical confidence thresholds required to predict the impact of this variant on FGF23 protein function. In summary, the available evidence is currently insufficient to determine the role of this variant in disease. Therefore, it has been classified as a Variant of Uncertain Significance.

NM_020638.3(FGF23):c.31T>C (p.Cys11Arg)

Gene: FGF23 (fibroblast growth factor 23; minus strand). Cytogenetic location: 12p13.32.
Variant type: single nucleotide variant.
Coding change: c.31T>C on transcript NM_020638.3 (MANE Select); coding-DNA position 31, T replaced by C.
Protein change: p.Cys11Arg; replaces cysteine 11 with arginine.
Molecular consequence: missense variant.
Genome position (GRCh38, 1-based): chr12:4,379,552, A>G on the plus strand (T>C on the coding strand, the complement: FGF23 is on the minus strand). VCF-style: chr12-4379552-A-G. GRCh37 (hg19) VCF-style: chr12-4488718-A-G.
Other names: short protein forms C11R.
Identifiers: ClinVar variation 3721205 (VCV003721205.2).
Genomic context (GRCh38, chr12:4,379,552, plus strand): 5'-GTGGGGAGGCATTGGGATAGGCTCTGAGGACGCTCATGCTGCAGACGCTGCACAAGGCAC[A>G]GACCCAGAGCCTGAGGCGGGCCCCCAACATCGTGCCCTGCTCTGAGTGGCTGGTGCTGAG-3'
Protein context (NP_065689.1, residues 1-21): MLGARLRLWV[Cys11Arg]ALCSVCSMSV